The following is an entry in ClinVar:

NM_001379500.1(COL18A1):c.798G>T (p.Thr266=)

Gene: COL18A1 (collagen type XVIII alpha 1 chain; plus strand). Cytogenetic location: 21q22.3.
Variant type: single nucleotide variant.
Coding change: c.798G>T on transcript NM_001379500.1 (MANE Select); coding-DNA position 798, G replaced by T.
Protein change: p.Thr266=; no amino-acid change (threonine 266 retained).
Molecular consequence: synonymous variant.
Genome position (GRCh38, 1-based): chr21:45,475,535, G>T. VCF-style: chr21-45475535-G-T. GRCh37 (hg19) VCF-style: chr21-46895449-G-T.
Other names: c.1338G>T, p.Thr446= (NM_030582.4); c.2043G>T, p.Thr681= (NM_130444.3).
Identifiers: ClinVar variation 2723460 (VCV002723460.4), dbSNP rs527870177, ClinGen allele CA512708681.

ClinVar aggregate classification (germline): Uncertain significance. Review status: criteria provided, multiple submitters, no conflicts (2 of 4 stars). 2 submissions from 2 submitters: Uncertain significance (2). Last evaluated 2025-05-14.

Submissions (2):

Labcorp Genetics (formerly Invitae), Labcorp
Classification: Uncertain significance. Last evaluated: 2025-05-14. Review status: criteria provided, single submitter. Criteria: Invitae Variant Classification Sherloc (09022015). Collection method: clinical testing. Allele origin: germline.
Comment: This sequence change affects codon 266 of the COL18A1 mRNA. It is a 'silent' change, meaning that it does not change the encoded amino acid sequence of the COL18A1 protein. This variant also falls at the last nucleotide of exon 5, which is part of the consensus splice site for this exon. This variant is not present in population databases (gnomAD no frequency). This variant has not been reported in the literature in individuals affected with COL18A1-related conditions. ClinVar contains an entry for this variant (Variation ID: 2723460). Variants that disrupt the consensus splice site are a relatively common cause of aberrant splicing (PMID: 17576681, 9536098). Algorithms developed to predict the effect of sequence changes on RNA splicing suggest that this variant may disrupt the consensus splice site. In summary, the available evidence is currently insufficient to determine the role of this variant in disease. Therefore, it has been classified as a Variant of Uncertain Significance.

Women's Health and Genetics/Laboratory Corporation of America, LabCorp
Classification: Uncertain significance. Last evaluated: 2024-10-31. Review status: criteria provided, single submitter. Criteria: LabCorp Variant Classification Summary - May 2015. Collection method: clinical testing. Allele origin: germline.
Comment: Variant summary: COL18A1 c.798G>T (p.Thr266Thr) alters a conserved nucleotide located close to a canonical splice site and therefore could affect mRNA splicing, leading to a significantly altered protein sequence. Several computational tools predict a significant impact on normal splicing: Four predict the variant weakens a 5' donor site. However, these predictions have yet to be confirmed by functional studies. The variant was absent in 231506 control chromosomes (gnomAD). The available data on variant occurrences in the general population are insufficient to allow any conclusion about variant significance. To our knowledge, no occurrence of c.798G>T in individuals affected with Knobloch Syndrome 1 and no experimental evidence demonstrating its impact on protein function have been reported. ClinVar contains an entry for this variant (Variation ID: 2723460). Based on the evidence outlined above, the variant was classified as uncertain significance.

Literature cited by the submitters: PubMed 17576681 (cited by Labcorp Genetics (formerly Invitae), Labcorp); PubMed 9536098 (cited by Labcorp Genetics (formerly Invitae), Labcorp).